The following is an entry in ClinVar:

ClinVar aggregate classification (germline): Uncertain significance. Review status: criteria provided, multiple submitters, no conflicts (2 of 4 stars). 2 submissions from 2 submitters: Uncertain significance (2). Last evaluated 2026-03-23.

Conditions:
Cardiovascular phenotype. Identifiers: MedGen CN230736.
Dilated cardiomyopathy 1W (CMD1W). Identifiers: Orphanet 154, MedGen C1969639, MONDO:0012667, OMIM 611407.

Submissions (2):

Ambry Genetics
Classification: Uncertain significance for Cardiovascular phenotype. Last evaluated: 2026-03-23. Review status: criteria provided, single submitter. Criteria: Ambry Variant Classification Scheme 2023. Collection method: clinical testing. Allele origin: germline.
Comment: The p.A1120T variant (also known as c.3358G>A), located in coding exon 22 of the VCL gene, results from a G to A substitution at nucleotide position 3358. The alanine at codon 1120 is replaced by threonine, an amino acid with similar properties. This amino acid position is conserved. In addition, this alteration is predicted to be tolerated by in silico analysis. Based on the available evidence, the clinical significance of this variant remains unclear.

Labcorp Genetics (formerly Invitae), Labcorp
Classification: Uncertain significance for Dilated cardiomyopathy 1W. Last evaluated: 2023-04-24. Review status: criteria provided, single submitter. Criteria: Invitae Variant Classification Sherloc (09022015). Collection method: clinical testing. Allele origin: germline.
Comment: An algorithm developed to predict the effect of missense changes on protein structure and function (PolyPhen-2) suggests that this variant is likely to be disruptive. This variant is not present in population databases (gnomAD no frequency). This variant has not been reported in the literature in individuals affected with VCL-related conditions. ClinVar contains an entry for this variant (Variation ID: 647749). This sequence change replaces alanine, which is neutral and non-polar, with threonine, which is neutral and polar, at codon 1120 of the VCL protein (p.Ala1120Thr). In summary, the available evidence is currently insufficient to determine the role of this variant in disease. Therefore, it has been classified as a Variant of Uncertain Significance.

NM_014000.3(VCL):c.3358G>A (p.Ala1120Thr)

Gene: VCL (vinculin; plus strand). Cytogenetic location: 10q22.2.
Variant type: single nucleotide variant.
Coding change: c.3358G>A on transcript NM_014000.3 (MANE Select); coding-DNA position 3358, G replaced by A.
Protein change: p.Ala1120Thr; replaces alanine 1120 with threonine.
Molecular consequence: missense variant.
Genome position (GRCh38, 1-based): chr10:74,118,122, G>A. VCF-style: chr10-74118122-G-A. GRCh37 (hg19) VCF-style: chr10-75877880-G-A.
Other names: c.3154G>A, p.Ala1052Thr (NM_003373.4); short protein forms A1052T, A1120T.
Identifiers: ClinVar variation 647749 (VCV000647749.10), dbSNP rs952929205, ClinGen allele CA209701221.